The following is an entry in ClinVar:

NM_003919.3(SGCE):c.232+4del

Genes: CASD1 (CAS1 domain sialic acid O acetyltransferase 1; plus strand), SGCE (sarcoglycan epsilon; minus strand). Cytogenetic location: 7q21.3.
Variant type: Deletion.
Coding change: c.232+4del on transcript NM_003919.3 (MANE Select); 4 bases into the intron after coding-DNA position 232, one base deleted (T; older notation c.232+4delT).
Molecular consequence: intron variant.
Genome position (GRCh38, 1-based): chr7:94,629,715, A deleted on the plus strand (T on the coding strand, the reverse complement: SGCE is on the minus strand). VCF-style (leftmost placement, unchanged base first): chr7-94629714-CA-C. GRCh37 (hg19) VCF-style: chr7-94259026-CA-C.
Other names: c.110-1356del (NM_001362809.2, NM_001301139.2); c.232+4del (NM_001346717.2, NM_001099400.2, NM_001099401.2); c.340+4del (NM_001346715.2, NM_001346713.2); c.145+4del (NM_001362807.2, NM_001346719.2); c.-42+4del (NM_001362808.2, NM_001346720.2).
Identifiers: ClinVar variation 532787 (VCV000532787.6), dbSNP rs1554359605, ClinGen allele CA658796978.

ClinVar aggregate classification (germline): Uncertain significance (1 of 4 stars; one submission).

Conditions:
Myoclonic dystonia 11 (DYT11). Also called: DYT-SGCE; Myoclonic dystonia; Dystonia 11; Dystonia, alcohol responsive; Hereditary essential myoclonus; SGCE Myoclonus-Dystonia. Identifiers: Orphanet 36899, MedGen C1834570, MONDO:0008044, OMIM 159900.

Submission:

Labcorp Genetics (formerly Invitae), Labcorp
Classification: Uncertain significance for Myoclonic dystonia 11. Last evaluated: 2017-08-04. Review status: criteria provided, single submitter. Criteria: Invitae Variant Classification Sherloc (09022015). Collection method: clinical testing. Allele origin: germline.
Comment: This variant is not present in population databases (ExAC no frequency). In summary, the available evidence is currently insufficient to determine the role of this variant in disease. Therefore, it has been classified as a Variant of Uncertain Significance. Nucleotide substitutions within the consensus splice site are a relatively common cause of aberrant splicing (PMID: 17576681, 9536098). Algorithms developed to predict the effect of sequence changes on RNA splicing suggest that this variant may disrupt the consensus splice site, but this prediction has not been confirmed by published transcriptional studies. This variant has not been reported in the literature in individuals with SGCE-related disease. This sequence change falls in intron 2 of the SGCE gene. It does not directly change the encoded amino acid sequence of the SGCE protein, but it affects a nucleotide within the consensus splice site of the intron.

Literature cited by the submitters: PubMed 17576681; PubMed 9536098.